The following is an entry in ClinVar:

NM_001042492.3(NF1):c.843C>A (p.Ile281=)

Gene: NF1 (neurofibromin 1; plus strand). Cytogenetic location: 17q11.2.
Variant type: single nucleotide variant.
Coding change: c.843C>A on transcript NM_001042492.3 (MANE Select); coding-DNA position 843, C replaced by A.
Protein change: p.Ile281=; no amino-acid change (isoleucine 281 retained).
Molecular consequence: synonymous variant.
Genome position (GRCh38, 1-based): chr17:31,182,620, C>A. VCF-style: chr17-31182620-C-A. GRCh37 (hg19) VCF-style: chr17-29509638-C-A.
Other names: c.843C>A, p.Ile281= (NM_000267.4, NM_001128147.3).
Identifiers: ClinVar variation 527650 (VCV000527650.10), dbSNP rs146094856, ClinGen allele CA289335184.

ClinVar aggregate classification (germline): Benign/Likely benign. Review status: criteria provided, multiple submitters, no conflicts (2 of 4 stars). 2 submissions from 2 submitters: Benign (1); Likely benign (1). Last evaluated 2026-09-29.

Conditions:
Neurofibromatosis, type 1 (NF1). Also called: NEUROFIBROMATOSIS, TYPE I, SOMATIC; Peripheral type neurofibromatosis; VON RECKLINGHAUSEN DISEASE; Neurofibromatosis, type I. Identifiers: Orphanet 636, MedGen C0027831, MONDO:0018975, OMIM 162200. Disease mechanism: loss of function.

Allele frequency attached by ClinVar (database versions not stated): gnomAD 0.00001; TOPMed 0.00001; ESP Exome Variant Server 0.00008.
gnomAD v4.1: 2 of 1,613,708 alleles (0.00012%); highest among the groups gnomAD compares: African/African-American, 0.0027%; no homozygotes.

Submissions (2):

Myriad Genetics, Inc.
Classification: Benign for Neurofibromatosis, type 1. Last evaluated: 2026-09-29. Review status: criteria provided, single submitter. Criteria: Myriad Autosomal Dominant, Autosomal Recessive and X-Linked Classification Criteria (2023). Collection method: clinical testing. Allele origin: unknown.
Comment: This variant is considered benign. This variant is a silent/synonymous amino acid change and it is not expected to impact splicing.

Labcorp Genetics (formerly Invitae), Labcorp
Classification: Likely benign for Neurofibromatosis, type 1. Last evaluated: 2026-01-14. Review status: criteria provided, single submitter. Criteria: Invitae Variant Classification Sherloc (09022015). Collection method: clinical testing. Allele origin: germline.